The following is an entry in ClinVar:

NM_033118.4(MYLK2):c.973-141G>T

Gene: MYLK2 (myosin light chain kinase 2; plus strand). Cytogenetic location: 20q11.21.
Variant type: single nucleotide variant.
Coding change: c.973-141G>T on transcript NM_033118.4 (MANE Select); 141 bases into the intron before coding-DNA position 973, G replaced by T.
Molecular consequence: intron variant.
Genome position (GRCh38, 1-based): chr20:31,826,464, G>T. VCF-style: chr20-31826464-G-T. GRCh37 (hg19) VCF-style: chr20-30414267-G-T.
Identifiers: ClinVar variation 672789 (VCV000672789.1), dbSNP rs11907637, ClinGen allele CA313851270.
Genomic context (GRCh38, chr20:31,826,464, plus strand): 5'-AAAAGGAAGATGTCCCAGCAGGCATGACTTGGGAGTGGTGAGGACCACAGATGTGGGGGT[G>T]GGGGAGAGAGGAGAGGCAAGGAGGAGGCTGAGCAGTGATCTGGGCAAGGCTAGCAGGCCT-3'

ClinVar aggregate classification (germline): Likely benign (1 of 4 stars; one submission).

Allele frequency attached by ClinVar (database versions not stated): gnomAD 0.01243 and 0.01341; TOPMed 0.01368; 1000 Genomes Project 0.01518; 1000 Genomes Project 30x 0.01546.
gnomAD v4.1: 3,163 of 1,115,248 alleles (0.28%); highest among the groups gnomAD compares: African/African-American, 4.4%; 59 homozygotes.

Submission:

GeneDx
Classification: Likely benign. Last evaluated: 2018-06-14. Review status: criteria provided, single submitter. Criteria: GeneDx Variant Classification (06012015). Collection method: clinical testing. Allele origin: germline. Affected: yes.
Comment: This variant is considered likely benign or benign based on one or more of the following criteria: it is a conservative change, it occurs at a poorly conserved position in the protein, it is predicted to be benign by multiple in silico algorithms, and/or has population frequency not consistent with disease.